The following is an entry in ClinVar:

NM_001283009.2(RTEL1):c.1378C>A (p.Pro460Thr)

Genes: RTEL1 (regulator of telomere elongation helicase 1; plus strand), RTEL1-TNFRSF6B (RTEL1-TNFRSF6B readthrough (NMD candidate); plus strand). Cytogenetic location: 20q13.33.
Variant type: single nucleotide variant.
Coding change: c.1378C>A on transcript NM_001283009.2 (MANE Select); coding-DNA position 1378, C replaced by A.
Protein change: p.Pro460Thr; replaces proline 460 with threonine.
Molecular consequence: missense variant. On other transcripts: non-coding transcript variant (1).
Genome position (GRCh38, 1-based): chr20:63,687,667, C>A. VCF-style: chr20-63687667-C-A. GRCh37 (hg19) VCF-style: chr20-62319020-C-A.
Other names: c.709C>A, p.Pro237Thr (NM_001283010.1); c.1378C>A, p.Pro460Thr (NM_016434.4); c.1450C>A, p.Pro484Thr (NM_032957.5); short protein forms P484T, P460T, P237T.
Identifiers: ClinVar variation 2058340 (VCV002058340.4), dbSNP rs1601162414, ClinGen allele CA409676208.

ClinVar aggregate classification (germline): Uncertain significance (1 of 4 stars; one submission).

Conditions:
Pulmonary fibrosis and/or bone marrow failure, Telomere-related, 3. Also called: PULMONARY FIBROSIS AND/OR BONE MARROW FAILURE SYNDROME, TELOMERE-RELATED, 3. Identifiers: Orphanet 2032, MedGen C4225346, MONDO:0014613, OMIM 616373.
Dyskeratosis congenita, autosomal recessive 5 (DKCB5). Identifiers: MedGen C3554656, MONDO:0014076, OMIM 615190.

Submission:

Labcorp Genetics (formerly Invitae), Labcorp
Classification: Uncertain significance for Dyskeratosis congenita, autosomal recessive 5; Pulmonary fibrosis and/or bone marrow failure, Telomere-related, 3. Last evaluated: 2021-12-24. Review status: criteria provided, single submitter. Criteria: Invitae Variant Classification Sherloc (09022015). Collection method: clinical testing. Allele origin: germline.
Comment: This sequence change replaces proline, which is neutral and non-polar, with threonine, which is neutral and polar, at codon 460 of the RTEL1 protein (p.Pro460Thr). In summary, the available evidence is currently insufficient to determine the role of this variant in disease. Therefore, it has been classified as a Variant of Uncertain Significance. Algorithms developed to predict the effect of missense changes on protein structure and function are either unavailable or do not agree on the potential impact of this missense change (SIFT: "Deleterious"; PolyPhen-2: "Probably Damaging"; Align-GVGD: "Class C0"). This variant has not been reported in the literature in individuals affected with RTEL1-related conditions. This variant is not present in population databases (gnomAD no frequency).